The following is an entry in ClinVar:

ClinVar aggregate classification (germline): Uncertain significance (1 of 4 stars; one submission).

Conditions:
Deficiency of butyryl-CoA dehydrogenase (ACADSD). Also called: SCAD DEFICIENCY, MILD; SCADH DEFICIENCY; SCAD Deficiency; ACYL-CoA DEHYDROGENASE, SHORT-CHAIN, DEFICIENCY OF; ACADS DEFICIENCY; Short-Chain Acyl-CoA Dehydrogenase Deficiency. Identifiers: Orphanet 26792, MedGen C0342783, MONDO:0008722, OMIM 201470. Disease mechanism: May be benign.

Allele frequency attached by ClinVar (database versions not stated): gnomAD exomes below 0.00001; ExAC 0.00001.

Submission:

Labcorp Genetics (formerly Invitae), Labcorp
Classification: Uncertain significance for Deficiency of butyryl-CoA dehydrogenase. Last evaluated: 2021-09-01. Review status: criteria provided, single submitter. Criteria: Invitae Variant Classification Sherloc (09022015). Collection method: clinical testing. Allele origin: germline.
Comment: This sequence change replaces alanine with valine at codon 283 of the ACADS protein (p.Ala283Val). The alanine residue is highly conserved and there is a small physicochemical difference between alanine and valine. This variant is present in population databases (rs758290381, ExAC 0.002%). This variant has not been reported in the literature in individuals affected with ACADS-related conditions. Advanced modeling of protein sequence and biophysical properties (such as structural, functional, and spatial information, amino acid conservation, physicochemical variation, residue mobility, and thermodynamic stability) performed at Invitae indicates that this missense variant is expected to disrupt ACADS protein function. In summary, the available evidence is currently insufficient to determine the role of this variant in disease. Therefore, it has been classified as a Variant of Uncertain Significance.

NM_000017.4(ACADS):c.848C>T (p.Ala283Val)

Gene: ACADS (acyl-CoA dehydrogenase short chain; plus strand). Cytogenetic location: 12q24.31.
Variant type: single nucleotide variant.
Coding change: c.848C>T on transcript NM_000017.4 (MANE Select); coding-DNA position 848, C replaced by T.
Protein change: p.Ala283Val; replaces alanine 283 with valine.
Molecular consequence: missense variant.
Genome position (GRCh38, 1-based): chr12:120,738,585, C>T. VCF-style: chr12-120738585-C-T. GRCh37 (hg19) VCF-style: chr12-121176388-C-T.
Other names: c.836C>T, p.Ala279Val (NM_001302554.2); short protein forms A279V, A283V.
Identifiers: ClinVar variation 1001591 (VCV001001591.6), dbSNP rs758290381, ClinGen allele CA6831095.